The following is an entry in ClinVar:

NM_000064.4(C3):c.2262CAT[1] (p.Ile756del)

Gene: C3 (complement C3; minus strand). Cytogenetic location: 19p13.3.
Variant type: Microsatellite.
Coding change: c.2262CAT[1] on transcript NM_000064.4 (MANE Select); one copy of the 3-base unit CAT starting at c.2262; the reference has two copies in a row; one copy, 3 bases deleted; also written c.2265_2267del.
Protein change: p.Ile756del; deletes isoleucine 756.
Genome position (GRCh38, 1-based): chr19:6,702,558-6,702,560, ATG deleted on the plus strand (CAT on the coding strand, the reverse complement: C3 is on the minus strand); deleting any 3 consecutive bases within chr19:6,702,558-6,702,563 gives the same sequence; the position shown is the placement nearest the transcript's 3' end. VCF-style (leftmost placement, unchanged base first): chr19-6702557-AATG-A. GRCh37 (hg19) VCF-style: chr19-6702568-AATG-A.
Other names: p.Ile756del; c.2265_2267del (NM_000064.4); short protein forms I756del.
Identifiers: ClinVar variation 3380566 (VCV003380566.1).
Genomic context (GRCh38, chr19:6,702,557, plus strand): 5'-CTCAACGTTCCACAGCCAGCTCTCTGGGAACTCACTTCGGGAAACGATGTTCTCTTCTGC[AATG>A]ATGTCCTCATCCAGGTTACCTGCAGGGGGTTTAGATCTGCATTTAGAACAGAGCAGGCCA-3'

ClinVar aggregate classification (germline): Uncertain significance (1 of 4 stars; one submission).

Submission:

Mayo Clinic Laboratories, Mayo Clinic
Classification: Uncertain significance. Last evaluated: 2024-09-16. Review status: criteria provided, single submitter. Criteria: ACMG Guidelines, 2015. Collection method: clinical testing. Allele origin: germline. Observed: 1 variant allele.
Comment: PM2, PM4